The following is an entry in ClinVar:

ClinVar aggregate classification (germline): Uncertain significance (1 of 4 stars; one submission).

Conditions:
Hereditary cancer-predisposing syndrome. Also called: Neoplastic Syndromes, Hereditary; Tumor predisposition; Hereditary Cancer Syndrome; Hereditary neoplastic syndrome. Identifiers: Orphanet 140162, MedGen C0027672, MeSH D009386, MONDO:0015356.

Submission:

Ambry Genetics
Classification: Uncertain significance for Hereditary cancer-predisposing syndrome. Last evaluated: 2022-04-19. Review status: criteria provided, single submitter. Criteria: Ambry Variant Classification Scheme 2023. Collection method: clinical testing. Allele origin: germline.
Comment: The p.D292Y variant (also known as c.874G>T), located in coding exon 7 of the CDH1 gene, results from a G to T substitution at nucleotide position 874. The aspartic acid at codon 292 is replaced by tyrosine, an amino acid with highly dissimilar properties. This amino acid position is conserved. In addition, this alteration is predicted to be tolerated by in silico analysis. Since supporting evidence is limited at this time, the clinical significance of this alteration remains unclear.

NM_004360.5(CDH1):c.874G>T (p.Asp292Tyr)

Gene: CDH1 (cadherin 1; plus strand). Cytogenetic location: 16q22.1.
Variant type: single nucleotide variant.
Coding change: c.874G>T on transcript NM_004360.5 (MANE Select); coding-DNA position 874, G replaced by T.
Protein change: p.Asp292Tyr; replaces aspartic acid 292 with tyrosine.
Molecular consequence: missense variant. On other transcripts: 5 prime UTR variant (2).
Genome position (GRCh38, 1-based): chr16:68,811,725, G>T. VCF-style: chr16-68811725-G-T. GRCh37 (hg19) VCF-style: chr16-68845628-G-T.
Other names: c.874G>T, p.Asp292Tyr (NM_001317184.2); c.-742G>T (NM_001317185.2); c.-946G>T (NM_001317186.2); short protein forms D292Y.
Identifiers: ClinVar variation 1764534 (VCV001764534.3), dbSNP rs1597894017, ClinGen allele CA396459623.
Genomic context (GRCh38, chr16:68,811,725, plus strand): 5'-TCTCCTTGAACTCTTCCAGGAACCTCTGTGATGGAGGTCACAGCCACAGACGCGGACGAT[G>T]ATGTGAACACCTACAATGCCGCCATCGCTTACACCATCCTCAGCCAAGATCCTGAGCTCC-3'
Protein context (NP_004351.1, residues 282-302): MEVTATDADD[Asp292Tyr]VNTYNAAIAY